The following is an entry in ClinVar:

NM_006642.5(SDCCAG8):c.1935G>A (p.Leu645=)

Gene: SDCCAG8 (SHH signaling and ciliogenesis regulator SDCCAG8; plus strand). Cytogenetic location: 1q43.
Variant type: single nucleotide variant.
Coding change: c.1935G>A on transcript NM_006642.5 (MANE Select); coding-DNA position 1935, G replaced by A.
Protein change: p.Leu645=; no amino-acid change (leucine 645 retained).
Molecular consequence: synonymous variant.
Genome position (GRCh38, 1-based): chr1:243,426,508, G>A. VCF-style: chr1-243426508-G-A. GRCh37 (hg19) VCF-style: chr1-243589810-G-A.
Other names: c.1032G>A, p.Leu344= (NM_001350246.2, NM_001350247.2, NM_001350251.2); c.2031G>A, p.Leu677= (NM_001350248.2); c.1641G>A, p.Leu547= (NM_001350249.2); c.1935G>A (NM_006642.3).
Identifiers: ClinVar variation 1615124 (VCV001615124.10), dbSNP rs185944691, ClinGen allele CA1483778.
Genomic context (GRCh38, chr1:243,426,508, plus strand): 5'-TCAAGAAAAAAGGTATACATATGATAAATTGGGAAAGTTACAGAGAAGAAATGAAGAATT[G>A]GAGGAACAGTGTGTCCAGCATGGGAGAGTACATGAGACGATGAAGCAAAGGTAATCAAGG-3'
Protein context (NP_006633.1, residues 635-655): LGKLQRRNEE[Leu645=]EEQCVQHGRV

ClinVar aggregate classification (germline): Likely benign. Review status: criteria provided, multiple submitters, no conflicts (2 of 4 stars). 3 submissions from 3 submitters: Likely benign (2). 1 of the submissions does not count toward it. Last evaluated 2025-06-12.

Conditions:
Senior-Loken syndrome 7 (SLSN7). Identifiers: Orphanet 3156, MedGen C3150877, MONDO:0013326, OMIM 613615.
Bardet-Biedl syndrome 16 (BBS16). Identifiers: Orphanet 110, MedGen C3889474, MONDO:0014444, OMIM 615993.
SDCCAG8-related disorder. Also called: SDCCAG8-Related Disorders; SDCCAG8-related condition.

Allele frequency attached by ClinVar (database versions not stated): gnomAD 0.00006; TOPMed 0.00007; 1000 Genomes Project 0.00040; 1000 Genomes Project 30x 0.00047.
gnomAD v4.1: 11 of 1,613,952 alleles (0.00068%); highest among the groups gnomAD compares: African/African-American, 0.011%; no homozygotes.

Submissions (3):

Labcorp Genetics (formerly Invitae), Labcorp
Classification: Likely benign for Bardet-Biedl syndrome 16; Senior-Loken syndrome 7. Last evaluated: 2025-06-12. Review status: criteria provided, single submitter. Criteria: Invitae Variant Classification Sherloc (09022015). Collection method: clinical testing. Allele origin: germline.

Fulgent Genetics
Classification: Likely benign for Senior-Loken syndrome 7; Bardet-Biedl syndrome 16. Last evaluated: 2021-09-16. Review status: criteria provided, single submitter. Criteria: ACMG Guidelines, 2015. Collection method: clinical testing. Allele origin: unknown.

PreventionGenetics, part of Exact Sciences
Classification: Likely benign for SDCCAG8-related condition. Last evaluated: 2022-04-29. Review status: no assertion criteria provided. Collection method: clinical testing. Allele origin: germline. Not counted in ClinVar's aggregate classification.
Comment: This variant is classified as likely benign based on ACMG/AMP sequence variant interpretation guidelines (Richards et al. 2015 PMID: 25741868, with internal and published modifications).